The following is an entry in ClinVar:

ClinVar aggregate classification (germline): Pathogenic (1 of 4 stars; one submission).

Submission:

GeneDx
Classification: Pathogenic. Last evaluated: 2016-07-06. Review status: criteria provided, single submitter. Criteria: GeneDx Variant Classification (06012015). Collection method: clinical testing. Allele origin: germline. Affected: yes.
Comment: The c.2467+2T>G pathogenic variant in the WDR62 gene has not been reported previously as a pathogenic variant nor as a benign variant, to our knowledge. This splice site variant destroys the canonical splice donor site in intron 20. It is predicted to cause abnormal gene splicing, either leading to an abnormal message that is subject to nonsense-mediated mRNA decay, or to an abnormal protein product if the message is used for protein translation. The c.2467+2T>G variant was not observed in approximately 6,500 individuals of European and African American ancestry in the NHLBI Exome Sequencing Project, indicating it is not a common benign variant in these populations. We interpret c.2467+2T>G as a pathogenic variant.

NM_001083961.2(WDR62):c.2467+2T>G

Gene: WDR62 (WD repeat domain 62; plus strand). Cytogenetic location: 19q13.12.
Variant type: single nucleotide variant.
Coding change: c.2467+2T>G on transcript NM_001083961.2 (MANE Select); the canonical splice donor site of the intron after coding-DNA position 2467, T replaced by G.
Molecular consequence: splice donor variant.
Genome position (GRCh38, 1-based): chr19:36,094,166, T>G. VCF-style: chr19-36094166-T-G. GRCh37 (hg19) VCF-style: chr19-36585068-T-G.
Other names: c.2467+2T>G (NM_173636.5, NM_001411146.1); c.2452+2T>G (NM_001411145.1); c.2116+2T>G (NM_001411147.1).
Identifiers: ClinVar variation 280706 (VCV000280706.2), dbSNP rs886041863, ClinGen allele CA10603443.